The following is an entry in ClinVar:

NM_001270508.2(TNFAIP3):c.1310_1319del (p.Ala437fs)

Gene: TNFAIP3 (TNF alpha induced protein 3; plus strand). Cytogenetic location: 6q23.3.
Variant type: Deletion.
Coding change: c.1310_1319del on transcript NM_001270508.2 (MANE Select); coding-DNA positions 1310 to 1319, 10 bases deleted (CCTCTCGGGG; older notation c.1310_1319delCCTCTCGGGG).
Protein change: p.Ala437fs; shifts the reading frame from alanine 437.
Molecular consequence: frameshift variant.
Genome position (GRCh38, 1-based): chr6:137,878,755-137,878,764, CCTCTCGGGG deleted; deleting any 10 consecutive bases within chr6:137,878,748-137,878,764 gives the same sequence; the c. name uses the placement nearest the transcript's 3' end. VCF-style (leftmost placement, unchanged base first): chr6-137878747-GCTCGGGGCCT-G. GRCh37 (hg19) VCF-style: chr6-138199884-GCTCGGGGCCT-G.
Other names: c.1310_1319del, p.Ala437fs (NM_001270507.2, NM_006290.4); short protein forms A437fs.
Identifiers: ClinVar variation 2853706 (VCV002853706.3), dbSNP rs2482752267, ClinGen allele CA645564291.

ClinVar aggregate classification (germline): Pathogenic (1 of 4 stars; one submission).

Submission:

Labcorp Genetics (formerly Invitae), Labcorp
Classification: Pathogenic. Last evaluated: 2023-04-08. Review status: criteria provided, single submitter. Criteria: Invitae Variant Classification Sherloc (09022015). Collection method: clinical testing. Allele origin: germline.
Comment: For these reasons, this variant has been classified as Pathogenic. This variant has not been reported in the literature in individuals affected with TNFAIP3-related conditions. This variant is not present in population databases (gnomAD no frequency). This sequence change creates a premature translational stop signal (p.Ala437Glufs*37) in the TNFAIP3 gene. It is expected to result in an absent or disrupted protein product. Loss-of-function variants in TNFAIP3 are known to be pathogenic (PMID: 26642243).

Literature cited by the submitters: PubMed 26642243.